The following is an entry in ClinVar:

ClinVar aggregate classification (germline): Uncertain significance (1 of 4 stars; one submission).

Conditions:
Vici syndrome (VICIS). Identifiers: Orphanet 1493, MedGen C1855772, MONDO:0009452, OMIM 242840.

Allele frequency attached by ClinVar (database versions not stated): gnomAD exomes below 0.00001.
gnomAD v4.1: 2 of 1,614,100 alleles (0.00012%); highest among the groups gnomAD compares: Non-Finnish European, 0.00017%; no homozygotes.

Submission:

Labcorp Genetics (formerly Invitae), Labcorp
Classification: Uncertain significance for Vici syndrome. Last evaluated: 2024-02-24. Review status: criteria provided, single submitter. Criteria: Invitae Variant Classification Sherloc (09022015). Collection method: clinical testing. Allele origin: germline.
Comment: This sequence change replaces glycine, which is neutral and non-polar, with glutamic acid, which is acidic and polar, at codon 627 of the EPG5 protein (p.Gly627Glu). This variant is present in population databases (no rsID available, gnomAD 0.0009%). This variant has not been reported in the literature in individuals affected with EPG5-related conditions. ClinVar contains an entry for this variant (Variation ID: 1525911). Advanced modeling of protein sequence and biophysical properties (such as structural, functional, and spatial information, amino acid conservation, physicochemical variation, residue mobility, and thermodynamic stability) performed at Invitae indicates that this missense variant is expected to disrupt EPG5 protein function with a positive predictive value of 80%. In summary, the available evidence is currently insufficient to determine the role of this variant in disease. Therefore, it has been classified as a Variant of Uncertain Significance.

NM_020964.3(EPG5):c.1880G>A (p.Gly627Glu)

Gene: EPG5 (ectopic P-granules 5 autophagy tethering factor; minus strand). Cytogenetic location: 18q21.1.
Variant type: single nucleotide variant.
Coding change: c.1880G>A on transcript NM_020964.3 (MANE Select); coding-DNA position 1880, G replaced by A.
Protein change: p.Gly627Glu; replaces glycine 627 with glutamic acid.
Molecular consequence: missense variant.
Genome position (GRCh38, 1-based): chr18:45,943,224, C>T on the plus strand (G>A on the coding strand, the complement: EPG5 is on the minus strand). VCF-style: chr18-45943224-C-T. GRCh37 (hg19) VCF-style: chr18-43523190-C-T.
Other names: short protein forms G627E.
Identifiers: ClinVar variation 1525911 (VCV001525911.9), dbSNP rs1488725589, ClinGen allele CA402348367.